The following is an entry in ClinVar:

ClinVar aggregate classification (germline): Uncertain significance (1 of 4 stars; one submission).

Allele frequency attached by ClinVar (database versions not stated): gnomAD 0.00001; TOPMed 0.00002; gnomAD exomes 0.00004 and 0.00005; ExAC 0.00010.

Submission:

Labcorp Genetics (formerly Invitae), Labcorp
Classification: Uncertain significance. Last evaluated: 2021-11-22. Review status: criteria provided, single submitter. Criteria: Invitae Variant Classification Sherloc (09022015). Collection method: clinical testing. Allele origin: germline.
Comment: This variant is present in population databases (rs767701898, gnomAD 0.01%). In summary, the available evidence is currently insufficient to determine the role of this variant in disease. Therefore, it has been classified as a Variant of Uncertain Significance. Algorithms developed to predict the effect of missense changes on protein structure and function output the following: SIFT: "Tolerated"; PolyPhen-2: "Benign"; Align-GVGD: "Class C0". The aspartic acid amino acid residue is found in multiple mammalian species, which suggests that this missense change does not adversely affect protein function. This variant has not been reported in the literature in individuals affected with DSPP-related conditions. This sequence change replaces valine, which is neutral and non-polar, with aspartic acid, which is acidic and polar, at codon 176 of the DSPP protein (p.Val176Asp).

NM_014208.3(DSPP):c.527T>A (p.Val176Asp)

Genes: DMP1-AS1 (DMP1 and DSPP antisense RNA 1; minus strand), DSPP (dentin sialophosphoprotein; plus strand). Cytogenetic location: 4q22.1.
Variant type: single nucleotide variant.
Coding change: c.527T>A on transcript NM_014208.3 (MANE Select); coding-DNA position 527, T replaced by A.
Protein change: p.Val176Asp; replaces valine 176 with aspartic acid.
Molecular consequence: missense variant.
Genome position (GRCh38, 1-based): chr4:87,612,713, T>A. VCF-style: chr4-87612713-T-A. GRCh37 (hg19) VCF-style: chr4-88533865-T-A.
Other names: short protein forms V176D.
Identifiers: ClinVar variation 1463304 (VCV001463304.6), dbSNP rs767701898, ClinGen allele CA3000912.
Genomic context (GRCh38, chr4:87,612,713, plus strand): 5'-GAAATACTGATAAGAATACCCAAAATGGGGATGTTGGCGATGCAGGTCACAATGAGGATG[T>A]CGCTGTTGTCCAAGAAGATGGACCTCAAGTAGCTGGAAGCAATAACAGTACAGACAATGA-3'
Protein context (NP_055023.2, residues 166-186): DVGDAGHNED[Val176Asp]AVVQEDGPQV